The following is an entry in ClinVar:

NM_001081550.2(THOC2):c.222+13_222+16del

Gene: THOC2 (THO complex subunit 2; minus strand). Cytogenetic location: Xq25.
Variant type: Microsatellite.
Coding change: c.222+13_222+16del on transcript NM_001081550.2 (MANE Select); bases 13 to 16 of the intron after coding-DNA position 222, 4 bases deleted (ATAT; older notation c.222+13_222+16delATAT).
Molecular consequence: intron variant.
Genome position (GRCh38, 1-based): chrX:123,706,842-123,706,845, ATAT deleted on the plus strand (ATAT on the coding strand, the reverse complement: THOC2 is on the minus strand); deleting any 4 consecutive bases within chrX:123,706,842-123,706,848 gives the same sequence; the c. name uses the placement nearest the transcript's 3' end. VCF-style (leftmost placement, unchanged base first): chrX-123706841-AATAT-A. GRCh37 (hg19) VCF-style: chrX-122840691-AATAT-A.
Other names: c.222+13_222+16delATAT (NM_001081550.2).
Identifiers: ClinVar variation 3375289 (VCV003375289.1).
Genomic context (GRCh38, chrX:123,706,841, plus strand): 5'-TAAACTTCAGGGATCTTTGTGTCAAAGCAAAAAGATATATAACAACTATTAACTTAAAAA[AATAT>A]ATACATACTTACACTAATGTCACTAAGAACATTAGATGCCTGTTCATGCTTTAGATTTCC-3'

ClinVar aggregate classification (germline): Likely benign (1 of 4 stars; one submission).

Submission:

Women's Health and Genetics/Laboratory Corporation of America, LabCorp
Classification: Likely benign. Last evaluated: 2024-09-23. Review status: criteria provided, single submitter. Criteria: LabCorp Variant Classification Summary - May 2015. Collection method: clinical testing. Allele origin: germline.
Comment: Variant summary: THOC2 c.222+13_222+16delATAT alters a nucleotide located at a position not widely known to affect splicing. Consensus agreement among computation tools predict no significant impact on normal splicing. However, these predictions have yet to be confirmed by functional studies. The variant was absent in 97088 control chromosomes. The available data on variant occurrences in the general population are insufficient to allow any conclusion about variant significance. To our knowledge, no occurrence of c.222+13_222+16delATAT in individuals affected with Intellectual Disability and no experimental evidence demonstrating its impact on protein function have been reported. No submitters have cited clinical-significance assessments for this variant to ClinVar. Based on the evidence outlined above, the variant was classified as likely benign.